The following is an entry in ClinVar:

ClinVar aggregate classification (germline): Uncertain significance (1 of 4 stars; one submission).

Conditions:
Infantile-onset ascending hereditary spastic paralysis (IAHSP). Also called: Infantile-Onset Ascending Hereditary Spastic Paralysis (IAHSP); Autosomal Recessive Juvenile Amyotrophic Lateral Sclerosis. Identifiers: Orphanet 293168, MedGen C2931441, MONDO:0011797, OMIM 607225. Disease mechanism: loss of function.

Submission:

Labcorp Genetics (formerly Invitae), Labcorp
Classification: Uncertain significance for Infantile-onset ascending hereditary spastic paralysis. Last evaluated: 2021-09-19. Review status: criteria provided, single submitter. Criteria: Invitae Variant Classification Sherloc (09022015). Collection method: clinical testing. Allele origin: germline.
Comment: This sequence change replaces threonine with alanine at codon 57 of the ALS2 protein (p.Thr57Ala). The threonine residue is moderately conserved and there is a small physicochemical difference between threonine and alanine. This variant is not present in population databases (ExAC no frequency). This variant has not been reported in the literature in individuals affected with ALS2-related conditions. Algorithms developed to predict the effect of missense changes on protein structure and function (SIFT, PolyPhen-2, Align-GVGD) all suggest that this variant is likely to be tolerated. In summary, the available evidence is currently insufficient to determine the role of this variant in disease. Therefore, it has been classified as a Variant of Uncertain Significance.

NM_020919.4(ALS2):c.169A>G (p.Thr57Ala)

Gene: ALS2 (alsin Rho guanine nucleotide exchange factor ALS2; minus strand). Cytogenetic location: 2q33.1.
Variant type: single nucleotide variant.
Coding change: c.169A>G on transcript NM_020919.4 (MANE Select); coding-DNA position 169, A replaced by G.
Protein change: p.Thr57Ala; replaces threonine 57 with alanine.
Molecular consequence: missense variant.
Genome position (GRCh38, 1-based): chr2:201,767,235, T>C on the plus strand (A>G on the coding strand, the complement: ALS2 is on the minus strand). VCF-style: chr2-201767235-T-C. GRCh37 (hg19) VCF-style: chr2-202631958-T-C.
Other names: c.169A>G, p.Thr57Ala (NM_001135745.2); short protein forms T57A.
Identifiers: ClinVar variation 1469321 (VCV001469321.6), dbSNP rs2106102252, ClinGen allele CA350329450.